The following is an entry in ClinVar:

ClinVar aggregate classification (germline): Uncertain significance (1 of 4 stars; one submission).

Conditions:
Familial meningioma. Also called: Meningioma, familial, susceptibility to. Identifiers: Orphanet 263662, MedGen C3551915, MONDO:0011789, OMIM 607174.

Submission:

Labcorp Genetics (formerly Invitae), Labcorp
Classification: Uncertain significance for Familial meningioma. Last evaluated: 2024-05-26. Review status: criteria provided, single submitter. Criteria: Invitae Variant Classification Sherloc (09022015). Collection method: clinical testing. Allele origin: germline.
Comment: This sequence change replaces glutamic acid, which is acidic and polar, with alanine, which is neutral and non-polar, at codon 352 of the SMARCE1 protein (p.Glu352Ala). This variant is not present in population databases (gnomAD no frequency). This variant has not been reported in the literature in individuals affected with SMARCE1-related conditions. Advanced modeling of protein sequence and biophysical properties (such as structural, functional, and spatial information, amino acid conservation, physicochemical variation, residue mobility, and thermodynamic stability) performed at Invitae indicates that this missense variant is not expected to disrupt SMARCE1 protein function with a negative predictive value of 80%. In summary, the available evidence is currently insufficient to determine the role of this variant in disease. Therefore, it has been classified as a Variant of Uncertain Significance.

NM_003079.5(SMARCE1):c.1055A>C (p.Glu352Ala)

Gene: SMARCE1 (SWI/SNF related BAF chromatin remodeling complex subunit E1; minus strand). Cytogenetic location: 17q21.2.
Variant type: single nucleotide variant.
Coding change: c.1055A>C on transcript NM_003079.5 (MANE Select); coding-DNA position 1055, A replaced by C.
Protein change: p.Glu352Ala; replaces glutamic acid 352 with alanine.
Molecular consequence: missense variant.
Genome position (GRCh38, 1-based): chr17:40,628,966, T>G on the plus strand (A>C on the coding strand, the complement: SMARCE1 is on the minus strand). VCF-style: chr17-40628966-T-G. GRCh37 (hg19) VCF-style: chr17-38785218-T-G.
Other names: short protein forms E352A.
Identifiers: ClinVar variation 3676116 (VCV003676116.2).